The following is an entry in ClinVar:

ClinVar aggregate classification (germline): Pathogenic (1 of 4 stars; one submission).

Conditions:
Cerebral arteriopathy, autosomal dominant, with subcortical infarcts and leukoencephalopathy, type 1 (CADASIL1). Also called: CADASIL 1; CASIL; Cerebral arteriopathy with subcortical infarcts and leukoencephalopathy 1; DEMENTIA, HEREDITARY MULTIINFARCT TYPE. Identifiers: Orphanet 136, MedGen C4551768, MONDO:0000914, OMIM 125310.

Submission:

Women's Health and Genetics/Laboratory Corporation of America, LabCorp
Classification: Pathogenic for Cerebral arteriopathy, autosomal dominant, with subcortical infarcts and leukoencephalopathy, type 1. Last evaluated: 2026-03-24. Review status: criteria provided, single submitter. Criteria: LabCorp Variant Classification Summary - May 2015. Collection method: clinical testing. Allele origin: germline.
Comment: Variant summary: NOTCH3 c.581G>C (p.Cys194Ser) results in a non-conservative amino acid change in the encoded protein sequence. Algorithms developed to predict the effect of missense changes on protein structure and function all suggest that this variant is likely to be disruptive. The variant was absent in 249974 control chromosomes. c.581G>C has been observed in at least 1 heterozygous individual(s) affected with Cerebral arteriopathy, autosomal dominant, with subcortical infarcts and leukoencephalopathy, type 1 (example, Adib-Samii_2010). To our knowledge, no experimental evidence demonstrating an impact on protein function has been reported. A different variant resulting in the same amino acid effect has been classified as likely pathogenic/pathogenic (c.580T>A, p.Cys194Ser) (example, Adib-Samii_2010), as has a different variant affecting the same codon (c.580T>C, p.Cys194Arg) (PMID: 31798751, 36086804) supporting the critical relevance of codon 194 to NOTCH3 protein function. The following publications have been ascertained in the context of this evaluation (PMID: 20167921, 35641310). No submitters have cited clinical-significance assessments for this variant to ClinVar. To our knowledge, this variant has not been reported in individuals with autosomal recessive NOTCH3-related conditions. Based on the evidence outlined above, the variant was classified as pathogenic for autosomal dominant CADASIL.

Literature cited by the submitters: PubMed 32457593; PubMed 36044383; PubMed 35641310; PubMed 36535904; PubMed 24844136; PubMed 38790158; PubMed 15229130; PubMed 38254727; PubMed 25980907; PubMed 37873835; PubMed 29980472; PubMed 41300806; PubMed 20167921.

NM_000435.3(NOTCH3):c.581G>C (p.Cys194Ser)

Gene: NOTCH3 (notch receptor 3; minus strand). Cytogenetic location: 19p13.12.
Variant type: single nucleotide variant.
Coding change: c.581G>C on transcript NM_000435.3 (MANE Select); coding-DNA position 581, G replaced by C.
Protein change: p.Cys194Ser; replaces cysteine 194 with serine.
Molecular consequence: missense variant.
Genome position (GRCh38, 1-based): chr19:15,192,058, C>G on the plus strand (G>C on the coding strand, the complement: NOTCH3 is on the minus strand). VCF-style: chr19-15192058-C-G. GRCh37 (hg19) VCF-style: chr19-15302869-C-G.
Other names: short protein forms C194S.
Identifiers: ClinVar variation 4847731 (VCV004847731.1).